The following is an entry in ClinVar:

GRCh38/hg38 8q11.21-11.23(chr8:49796560-51802072)x1

Genes: PXDNL (peroxidasin like; minus strand), SNTG1 (syntrophin gamma 1; plus strand), LOC124174250 (Sharpr-MPRA regulatory region 15467; plus strand), LOC124174251 (Sharpr-MPRA regulatory region 14710; plus strand), LOC126860384 (MED14-independent group 3 enhancer GRCh37_chr8:52243645-52244844; plus strand) and 2 more. Cytogenetic location: 8q11.21-11.23.
Variant type: copy number loss.
Change: copy number 1 (one copy instead of two) of chr8:49,796,560-51,802,072 (2.01 Mb, GRCh38 coordinates, 1-based), cytogenetic band 8q11.21-11.23.
Identifiers: ClinVar variation 57284 (VCV000057284.1).

ClinVar aggregate classification (germline): Uncertain significance (1 of 4 stars; one submission).

Submission:

ISCA site 4
Classification: Uncertain significance. Last evaluated: 2011-08-12. Review status: criteria provided, single submitter. Criteria: Kaminsky et al. (Genet Med. 2011). Collection method: clinical testing. Allele origin: paternal. Affected: yes. Observed: 1 variant allele.
Comment: Copy number variation identified through the course of routine clinical cytogenomic testing in postnatal populations. Clinical assertions have been curated as described in Kaminsky et al. 2011.